The following is an entry in ClinVar:

ClinVar aggregate classification (germline): Pathogenic (1 of 4 stars; one submission).

Conditions:
Alport syndrome. Also called: Hemorrhagic familial nephritis; Hemorrhagic hereditary nephritis; Congenital hereditary hematuria. Identifiers: Orphanet 63, MedGen C1567741, MONDO:0018965.

Submission:

Myriad Genetics, Inc.
Classification: Pathogenic for Alport syndrome. Last evaluated: 2023-08-17. Review status: criteria provided, single submitter. Criteria: Myriad Autosomal Dominant, Autosomal Recessive and X-Linked Classification Criteria (2023). Collection method: clinical testing. Allele origin: unknown.
Comment: NM_000091.4(COL4A3):c.2789_2790delCA(P930Rfs*9) is expected to be pathogenic in the context of Alport syndrome, COL4A3-related. This variant is predicted to lead to an abnormal or absent protein product due to the creation of a premature termination codon in COL4A3, a gene where loss-of-function variants are known to be pathogenic. Please note: this variant was assessed in the context of healthy population screening.

NM_000091.5(COL4A3):c.2789_2790del (p.Pro930fs)

Genes: COL4A3 (collagen type IV alpha 3 chain; plus strand), MFF-DT (MFF divergent transcript; minus strand). Cytogenetic location: 2q36.3.
Variant type: Deletion.
Coding change: c.2789_2790del on transcript NM_000091.5 (MANE Select); coding-DNA positions 2789 to 2790, 2 bases deleted (CA; older notation c.2789_2790delCA).
Protein change: p.Pro930fs; shifts the reading frame from proline 930.
Molecular consequence: frameshift variant.
Genome position (GRCh38, 1-based): chr2:227,284,253-227,284,254, CA deleted. VCF-style (leftmost placement, unchanged base first): chr2-227284252-CCA-C. GRCh37 (hg19) VCF-style: chr2-228148968-CCA-C.
Other names: short protein forms P930fs.
Identifiers: ClinVar variation 5011368 (VCV005011368.1).